The following is an entry in ClinVar:

ClinVar aggregate classification (germline): Uncertain significance (1 of 4 stars; one submission).

Conditions:
Desmin-related myofibrillar myopathy (MFM1). Also called: Desminopathy; Desmin related myopathy (former name); Desmin storage myopathy (former name); Myofibrillar myopathy 1; MYOFIBRILLAR MYOPATHY WITH ARRHYTHMOGENIC RIGHT VENTRICULAR CARDIOMYOPATHY; DESMIN-RELATED MYOPATHY WITH ARRHYTHMOGENIC RIGHT VENTRICULAR CARDIOMYOPATHY. Identifiers: Orphanet 363543, Orphanet 98909, MedGen C1832370, MONDO:0011076, OMIM 601419.

gnomAD v4.1: 2 of 1,568,254 alleles (0.00013%); highest among the groups gnomAD compares: Non-Finnish European, 0.00017%; no homozygotes.

Submission:

Labcorp Genetics (formerly Invitae), Labcorp
Classification: Uncertain significance for Desmin-related myofibrillar myopathy. Last evaluated: 2025-09-01. Review status: criteria provided, single submitter. Criteria: Invitae Variant Classification Sherloc (09022015). Collection method: clinical testing. Allele origin: germline.
Comment: This sequence change replaces arginine, which is basic and polar, with glutamine, which is neutral and polar, at codon 142 of the DES protein (p.Arg142Gln). This variant is not present in population databases (gnomAD no frequency). This variant has not been reported in the literature in individuals affected with DES-related conditions. Invitae Evidence Modeling of protein sequence and biophysical properties (such as structural, functional, and spatial information, amino acid conservation, physicochemical variation, residue mobility, and thermodynamic stability) indicates that this missense variant is not expected to disrupt DES protein function with a negative predictive value of 80%. In summary, the available evidence is currently insufficient to determine the role of this variant in disease. Therefore, it has been classified as a Variant of Uncertain Significance.

NM_001927.4(DES):c.425G>A (p.Arg142Gln)

Gene: DES (desmin; plus strand). Cytogenetic location: 2q35.
Variant type: single nucleotide variant.
Coding change: c.425G>A on transcript NM_001927.4 (MANE Select); coding-DNA position 425, G replaced by A.
Protein change: p.Arg142Gln; replaces arginine 142 with glutamine.
Molecular consequence: missense variant.
Genome position (GRCh38, 1-based): chr2:219,418,887, G>A. VCF-style: chr2-219418887-G-A. GRCh37 (hg19) VCF-style: chr2-220283609-G-A.
Other names: c.425G>A, p.Arg142Gln (NM_001382708.1, NM_001382709.1, NM_001382710.1 and 3 more transcripts); short protein forms R142Q.
Identifiers: ClinVar variation 4790654 (VCV004790654.1).